The following is an entry in ClinVar:

NM_000051.4(ATM):c.8431A>T (p.Lys2811Ter)

Genes: ATM (ATM serine/threonine kinase; plus strand), C11orf65 (chromosome 11 open reading frame 65; minus strand). Cytogenetic location: 11q22.3.
Variant type: single nucleotide variant.
Coding change: c.8431A>T on transcript NM_000051.4 (MANE Select); coding-DNA position 8431, A replaced by T.
Protein change: p.Lys2811Ter; replaces lysine 2811 with a stop codon.
Molecular consequence: nonsense. On other transcripts: intron variant (2).
Genome position (GRCh38, 1-based): chr11:108,345,755, A>T. VCF-style: chr11-108345755-A-T. GRCh37 (hg19) VCF-style: chr11-108216482-A-T.
Other names: c.8431A>T, p.Lys2811Ter (NM_001351834.2); c.641-36684T>A (NM_001330368.2); c.695-10463T>A (NM_001351110.2); short protein forms K2811*.
Identifiers: ClinVar variation 429074 (VCV000429074.9), dbSNP rs1131691158, ClinGen allele CA382517770.
Genomic context (GRCh38, chr11:108,345,755, plus strand): 5'-AATTGAACACAATATTGAAAAATAATTATATATATTCTCTATTTAAAGGAGGTGCAAAAA[A>T]AGTCTTTTGAAGAGAAATATGAAGTCTTCATGGATGTTTGCCAAAATTTTCAACCAGTTT-3'

ClinVar aggregate classification (germline): Pathogenic. Review status: criteria provided, multiple submitters, no conflicts (2 of 4 stars). 3 submissions from 3 submitters: Pathogenic (3). Last evaluated 2025-01-16.

Conditions:
Hereditary cancer-predisposing syndrome. Also called: Neoplastic Syndromes, Hereditary; Hereditary Cancer Syndrome; Tumor predisposition; Hereditary neoplastic syndrome. Identifiers: Orphanet 140162, MedGen C0027672, MeSH D009386, MONDO:0015356.
Familial cancer of breast. Also called: Hereditary breast cancer; BREAST CANCER, FAMILIAL; hereditary breast carcinoma. Identifiers: Orphanet 227535, MedGen C0346153, MONDO:0016419, OMIM 114480. Disease mechanism: loss of function.
Ataxia-telangiectasia syndrome (AT). Also called: LOUIS-BAR SYNDROME; Cerebello-oculocutaneous telangiectasia; Immunodeficiency with ataxia telangiectasia; Ataxia-telangiectasia, complementation group D; AT, COMPLEMENTATION GROUP C; Ataxia-telangiectasia, complementation group E. Identifiers: Orphanet 100, MedGen C0004135, MONDO:0008840, OMIM 208900.

Submissions (3):

Labcorp Genetics (formerly Invitae), Labcorp
Classification: Pathogenic for Ataxia-telangiectasia syndrome. Last evaluated: 2025-01-16. Review status: criteria provided, single submitter. Criteria: Invitae Variant Classification Sherloc (09022015). Collection method: clinical testing. Allele origin: germline.
Comment: This sequence change creates a premature translational stop signal (p.Lys2811*) in the ATM gene. It is expected to result in an absent or disrupted protein product. Loss-of-function variants in ATM are known to be pathogenic (PMID: 23807571, 25614872). This variant is not present in population databases (gnomAD no frequency). This variant has not been reported in the literature in individuals affected with ATM-related conditions. ClinVar contains an entry for this variant (Variation ID: 429074). For these reasons, this variant has been classified as Pathogenic.

Myriad Genetics, Inc.
Classification: Pathogenic for Familial cancer of breast. Last evaluated: 2024-02-02. Review status: criteria provided, single submitter. Criteria: Myriad Autosomal Dominant, Autosomal Recessive and X-Linked Classification Criteria (2023). Collection method: clinical testing. Allele origin: unknown.
Comment: This variant is considered pathogenic. This variant creates a termination codon and is predicted to result in premature protein truncation.

Ambry Genetics
Classification: Pathogenic for Hereditary cancer-predisposing syndrome. Last evaluated: 2021-07-19. Review status: criteria provided, single submitter. Criteria: Ambry Variant Classification Scheme 2023. Collection method: clinical testing. Allele origin: germline.
Comment: The p.K2811* pathogenic mutation (also known as c.8431A>T), located in coding exon 57 of the ATM gene, results from an A to T substitution at nucleotide position 8431. This changes the amino acid from a lysine to a stop codon within coding exon 57. This variant is considered to be rare based on population cohorts in the Genome Aggregation Database (gnomAD). This alteration is expected to result in loss of function by premature protein truncation or nonsense-mediated mRNA decay. As such, this alteration is interpreted as a disease-causing mutation.

Literature cited by the submitters: PubMed 23807571 (cited by Labcorp Genetics (formerly Invitae), Labcorp); PubMed 25614872 (cited by Labcorp Genetics (formerly Invitae), Labcorp).